The following is an entry in ClinVar:

NM_198525.3(KIF7):c.*139C>T

Gene: KIF7 (kinesin family member 7; minus strand). Cytogenetic location: 15q26.1.
Variant type: single nucleotide variant.
Coding change: c.*139C>T on transcript NM_198525.3 (MANE Select); 139 bases downstream of the stop codon, C replaced by T.
Molecular consequence: 3 prime UTR variant.
Genome position (GRCh38, 1-based): chr15:89,628,280, G>A on the plus strand (C>T on the coding strand, the complement: KIF7 is on the minus strand). VCF-style: chr15-89628280-G-A. GRCh37 (hg19) VCF-style: chr15-90171511-G-A.
Identifiers: ClinVar variation 887088 (VCV000887088.6), dbSNP rs8037511, ClinGen allele CA274562431.

ClinVar aggregate classification (germline): Benign. Review status: criteria provided, multiple submitters, no conflicts (2 of 4 stars). 3 submissions from 3 submitters: Benign (3). Last evaluated 2018-08-12.

Conditions:
Acrocallosal syndrome (ACLS). Also called: HALLUX DUPLICATION, POSTAXIAL POLYDACTYLY, AND ABSENCE OF CORPUS CALLOSUM; Schinzel syndrome 1; Absence of corpus callosum with unusual facial appearance, mental deficiency, duplication of the halluces and polydactyly. Identifiers: Orphanet 36, MedGen C0796147, MONDO:0008708, OMIM 200990.

Allele frequency attached by ClinVar (database versions not stated): gnomAD exomes 0.00223; gnomAD 0.01782 and 0.01904; 1000 Genomes Project 0.01997; TOPMed 0.02109; 1000 Genomes Project 30x 0.02295.

Submissions (3):

GeneDx
Classification: Benign. Last evaluated: 2018-08-12. Review status: criteria provided, single submitter. Criteria: GeneDx Variant Classification Process June 2021. Collection method: clinical testing. Allele origin: germline. Affected: yes.

Illumina Laboratory Services, Illumina
Classification: Benign for Acrocallosal syndrome. Last evaluated: 2018-01-12. Review status: criteria provided, single submitter. Criteria: ICSL Variant Classification Criteria 13 December 2019. Collection method: clinical testing. Allele origin: germline.
Comment: This variant was observed in the ICSL laboratory as part of a predisposition screen in an ostensibly healthy population. It had not been previously curated by ICSL or reported in the Human Gene Mutation Database (HGMD: prior to June 1st, 2018), and was therefore a candidate for classification through an automated scoring system. Utilizing variant allele frequency, disease prevalence and penetrance estimates, and inheritance mode, an automated score was calculated to assess if this variant is too frequent to cause the disease. Based on the score and internal cut-off values, a variant classified as benign is not then subjected to further curation. The score for this variant resulted in a classification of benign for this disease.

Breakthrough Genomics
Classification: Benign. Review status: criteria provided, single submitter. Criteria: ACMG Guidelines, 2015. Collection method: not provided. Allele origin: germline. Inheritance: Autosomal recessive inheritance. Affected: yes.